The following is an entry in ClinVar:

NM_000535.7(PMS2):c.2289A>G (p.Glu763=)

Gene: PMS2 (PMS1 homolog 2, mismatch repair system component; minus strand). Cytogenetic location: 7p22.1.
Variant type: single nucleotide variant.
Coding change: c.2289A>G on transcript NM_000535.7 (MANE Select); coding-DNA position 2289, A replaced by G.
Protein change: p.Glu763=; no amino-acid change (glutamic acid 763 retained).
Molecular consequence: synonymous variant.
Genome position (GRCh38, 1-based): chr7:5,977,744, T>C on the plus strand (A>G on the coding strand, the complement: PMS2 is on the minus strand). VCF-style: chr7-5977744-T-C. GRCh37 (hg19) VCF-style: chr7-6017375-T-C.
Other names: c.1884A>G, p.Glu628= (NM_001322003.2, NM_001322004.2, NM_001322005.2); c.2133A>G, p.Glu711= (NM_001322006.2); c.1971A>G, p.Glu657= (NM_001322007.2, NM_001322008.2); c.1917A>G, p.Glu639= (NM_001322009.2); c.1728A>G, p.Glu576= (NM_001322010.2); c.1356A>G, p.Glu452= (NM_001322011.2, NM_001322012.2); c.1716A>G, p.Glu572= (NM_001322013.2); c.2322A>G, p.Glu774= (NM_001322014.2); and 1 more.
Identifiers: ClinVar variation 184401 (VCV000184401.4), dbSNP rs786201442, ClinGen allele CA011208.

ClinVar aggregate classification (germline): Benign/Likely benign. Review status: criteria provided, multiple submitters, no conflicts (2 of 4 stars). 2 submissions from 2 submitters: Benign (1); Likely benign (1). Last evaluated 2025-02-03.

Conditions:
Hereditary cancer-predisposing syndrome. Also called: Hereditary neoplastic syndrome; Neoplastic Syndromes, Hereditary; Tumor predisposition; Hereditary Cancer Syndrome. Identifiers: Orphanet 140162, MedGen C0027672, MeSH D009386, MONDO:0015356.
Lynch syndrome 4 (LYNCH4). Also called: Hereditary non-polyposis colorectal cancer, type 4; Colorectal cancer, hereditary nonpolyposis, type 4. Identifiers: Orphanet 144, MedGen C1838333, MONDO:0013699, OMIM 614337. Disease mechanism: loss of function.

Submissions (2):

Myriad Genetics, Inc.
Classification: Benign for Lynch syndrome 4. Last evaluated: 2025-02-03. Review status: criteria provided, single submitter. Criteria: Myriad Autosomal Dominant, Autosomal Recessive and X-Linked Classification Criteria (2023). Collection method: clinical testing. Allele origin: unknown.
Comment: This variant is considered benign. This variant is a silent/synonymous amino acid change and it is not expected to impact splicing.

Ambry Genetics
Classification: Likely benign for Hereditary cancer-predisposing syndrome. Last evaluated: 2013-11-08. Review status: criteria provided, single submitter. Criteria: Ambry Autosomal Dominant and X-Linked criteria (10/2015). Collection method: clinical testing. Allele origin: germline. Observed: 1 variant allele.